The following is an entry in ClinVar:

NM_000465.4(BARD1):c.895A>G (p.Thr299Ala)

Gene: BARD1 (BRCA1 associated RING domain 1; minus strand). Cytogenetic location: 2q35.
Variant type: single nucleotide variant.
Coding change: c.895A>G on transcript NM_000465.4 (MANE Select); coding-DNA position 895, A replaced by G.
Protein change: p.Thr299Ala; replaces threonine 299 with alanine.
Molecular consequence: missense variant. On other transcripts: non-coding transcript variant (2), intron variant (3).
Genome position (GRCh38, 1-based): chr2:214,780,979, T>C on the plus strand (A>G on the coding strand, the complement: BARD1 is on the minus strand). VCF-style: chr2-214780979-T-C. GRCh37 (hg19) VCF-style: chr2-215645703-T-C.
Other names: c.838A>G, p.Thr280Ala (NM_001282543.2); c.159-28424A>G (NM_001282548.2); c.215+16082A>G (NM_001282545.2); c.364+11318A>G (NM_001282549.2); c.895A>G (NM_000465.2); short protein forms T280A, T299A.
Identifiers: ClinVar variation 976438 (VCV000976438.8), dbSNP rs1694983227, ClinGen allele CA350455128.

ClinVar aggregate classification (germline): Conflicting classifications of pathogenicity. Review status: criteria provided, conflicting classifications (1 of 4 stars). 4 submissions from 4 submitters: Uncertain significance (2); Likely benign (1). 1 of the submissions does not count toward it. Last evaluated 2024-03-29.

Conditions:
Hereditary cancer-predisposing syndrome. Also called: Neoplastic Syndromes, Hereditary; Hereditary Cancer Syndrome; Tumor predisposition; Hereditary neoplastic syndrome. Identifiers: Orphanet 140162, MedGen C0027672, MeSH D009386, MONDO:0015356.
Familial cancer of breast. Also called: hereditary breast carcinoma; BREAST CANCER, FAMILIAL; Hereditary breast cancer. Identifiers: Orphanet 227535, MedGen C0346153, MONDO:0016419, OMIM 114480. Disease mechanism: loss of function.
Malignant tumor of breast. Also called: Malignant breast neoplasm; Cancer breast. Identifiers: MedGen C0006142, MONDO:0007254. Disease mechanism: loss of function.

Submissions (4):

Ambry Genetics
Classification: Likely benign for Hereditary cancer-predisposing syndrome. Last evaluated: 2024-03-29. Review status: criteria provided, single submitter. Criteria: Ambry Variant Classification Scheme 2023. Collection method: clinical testing. Allele origin: germline.

Labcorp Genetics (formerly Invitae), Labcorp
Classification: Uncertain significance for Familial cancer of breast. Last evaluated: 2021-12-11. Review status: criteria provided, single submitter. Criteria: Invitae Variant Classification Sherloc (09022015). Collection method: clinical testing. Allele origin: germline.
Comment: In summary, the available evidence is currently insufficient to determine the role of this variant in disease. Therefore, it has been classified as a Variant of Uncertain Significance. Experimental studies have shown that this missense change affects BARD1 function (PMID: 15855157). Algorithms developed to predict the effect of missense changes on protein structure and function (SIFT, PolyPhen-2, Align-GVGD) all suggest that this variant is likely to be tolerated. ClinVar contains an entry for this variant (Variation ID: 976438). This variant has not been reported in the literature in individuals affected with BARD1-related conditions. This variant is not present in population databases (gnomAD no frequency). This sequence change replaces threonine, which is neutral and polar, with alanine, which is neutral and non-polar, at codon 299 of the BARD1 protein (p.Thr299Ala).

Institute of Human Genetics, University of Leipzig Medical Center
Classification: Uncertain significance for Familial cancer of breast. Last evaluated: 2019-12-10. Review status: criteria provided, single submitter. Criteria: ACMG Guidelines, 2015. Collection method: clinical testing. Allele origin: germline. Affected: yes. Observed: 1 variant allele.

Department of Pathology and Laboratory Medicine, Sinai Health System
Classification: Uncertain significance for Malignant tumor of breast. Review status: no assertion criteria provided. Collection method: clinical testing. Allele origin: unknown. Affected: yes. Study: The Canadian Open Genetics Repository (COGR). Not counted in ClinVar's aggregate classification.
Comment: The BARD1 p.Thr299Ala variant was not identified in the literature nor was it identified in the following databases: dbSNP, ClinVar, Cosmic, MutDB, or Zhejiang Colon Cancer Database. The variant was not identified in the 1000 Genomes Project, the NHLBI GO Exome Sequencing Project, the Exome Aggregation Consortium (August 8th 2016), or the Genome Aggregation Database (Feb 27, 2017). The p.Thr299 residue is not conserved in mammals and computational analyses (PolyPhen-2, SIFT, AlignGVGD, BLOSUM, MutationTaster) do not suggest a high likelihood of impact to the protein; however, this information is not predictive enough to rule out pathogenicity. The variant occurs outside of the splicing consensus sequence and 1 of 5 in silico or computational prediction software programs (SpliceSiteFinder, MaxEntScan, NNSPLICE, GeneSplicer, HumanSpliceFinder) predict a greater than 10% difference in splicing; this is not very predictive of pathogenicity. In summary, based on the above information, the clinical significance of this variant cannot be determined with certainty at this time. This variant is classified as a variant of uncertain significance.

Literature cited by the submitters: PubMed 15855157 (cited by Labcorp Genetics (formerly Invitae), Labcorp).